The following is an entry in ClinVar:

ClinVar aggregate classification (germline): Uncertain significance (1 of 4 stars; one submission).

Conditions:
Neurofibromatosis, type 1 (NF1). Also called: NEUROFIBROMATOSIS, TYPE I, SOMATIC; Neurofibromatosis, type I; VON RECKLINGHAUSEN DISEASE; Peripheral type neurofibromatosis. Identifiers: Orphanet 636, MedGen C0027831, MONDO:0018975, OMIM 162200. Disease mechanism: loss of function.

Submission:

Labcorp Genetics (formerly Invitae), Labcorp
Classification: Uncertain significance for Neurofibromatosis, type 1. Last evaluated: 2021-03-17. Review status: criteria provided, single submitter. Criteria: Invitae Variant Classification Sherloc (09022015). Collection method: clinical testing. Allele origin: germline.
Comment: In summary, the available evidence is currently insufficient to determine the role of this variant in disease. Therefore, it has been classified as a Variant of Uncertain Significance. Advanced modeling of protein sequence and biophysical properties (such as structural, functional, and spatial information, amino acid conservation, physicochemical variation, residue mobility, and thermodynamic stability) performed at Invitae indicates that this missense variant is expected to disrupt NF1 protein function. This variant has not been reported in the literature in individuals with NF1-related conditions. This variant is not present in population databases (ExAC no frequency). This sequence change replaces isoleucine with threonine at codon 429 of the NF1 protein (p.Ile429Thr). The isoleucine residue is highly conserved and there is a moderate physicochemical difference between isoleucine and threonine.

NM_001042492.3(NF1):c.1286T>C (p.Ile429Thr)

Gene: NF1 (neurofibromin 1; plus strand). Cytogenetic location: 17q11.2.
Variant type: single nucleotide variant.
Coding change: c.1286T>C on transcript NM_001042492.3 (MANE Select); coding-DNA position 1286, T replaced by C.
Protein change: p.Ile429Thr; replaces isoleucine 429 with threonine.
Molecular consequence: missense variant.
Genome position (GRCh38, 1-based): chr17:31,206,265, T>C. VCF-style: chr17-31206265-T-C. GRCh37 (hg19) VCF-style: chr17-29533283-T-C.
Other names: c.1286T>C, p.Ile429Thr (NM_000267.4, NM_001128147.3); short protein forms I429T.
Identifiers: ClinVar variation 1488346 (VCV001488346.8), dbSNP rs2143913858, ClinGen allele CA398999196.
Genomic context (GRCh38, chr17:31,206,265, plus strand): 5'-ACTTTTTCTTCCTATTGGTCTTTGTTTTTCTCTAGTCCGCATTGGATTGGTGGCCTAAGA[T>C]TGATGCTGTGTATTGTCACTCGGTTGAACTTCGAAATATGTTTGGTGAAACACTTCATAA-3'
Protein context (NP_001035957.1, residues 419-439): TNSALDWWPK[Ile429Thr]DAVYCHSVEL